The following is an entry in ClinVar:

NM_145200.5(CABP4):c.674G>A (p.Arg225Gln)

Gene: CABP4 (calcium binding protein 4; plus strand). Cytogenetic location: 11q13.2.
Variant type: single nucleotide variant.
Coding change: c.674G>A on transcript NM_145200.5 (MANE Select); coding-DNA position 674, G replaced by A.
Protein change: p.Arg225Gln; replaces arginine 225 with glutamine.
Molecular consequence: missense variant. On other transcripts: non-coding transcript variant (1).
Genome position (GRCh38, 1-based): chr11:67,458,393, G>A. VCF-style: chr11-67458393-G-A. GRCh37 (hg19) VCF-style: chr11-67225864-G-A.
Other names: c.359G>A, p.Arg120Gln (NM_001300895.3, NM_001300896.3, NM_001379183.1); short protein forms R120Q, R225Q.
Identifiers: ClinVar variation 837044 (VCV000837044.8), dbSNP rs200848734, ClinGen allele CA6140316.

ClinVar aggregate classification (germline): Uncertain significance. Review status: criteria provided, multiple submitters, no conflicts (2 of 4 stars). 3 submissions from 3 submitters: Uncertain significance (2). 1 of the submissions does not count toward it. Last evaluated 2024-12-02.

Conditions:
Retinal dystrophy. Also called: Inherited retinal dystrophy. Identifiers: Orphanet 71862, MedGen C0854723, MeSH D058499, MONDO:0019118, HP:0000556.

Allele frequency attached by ClinVar (database versions not stated): ESP Exome Variant Server 0.00008; TOPMed 0.00015.
gnomAD v4.1: 199 of 1,612,688 alleles (0.012%); highest among the groups gnomAD compares: Middle Eastern, 0.12%; no homozygotes.

Submissions (3):

Labcorp Genetics (formerly Invitae), Labcorp
Classification: Uncertain significance. Last evaluated: 2024-12-02. Review status: criteria provided, single submitter. Criteria: Invitae Variant Classification Sherloc (09022015). Collection method: clinical testing. Allele origin: germline.
Comment: This sequence change replaces arginine, which is basic and polar, with glutamine, which is neutral and polar, at codon 225 of the CABP4 protein (p.Arg225Gln). This variant is present in population databases (rs200848734, gnomAD 0.02%). This variant has not been reported in the literature in individuals affected with CABP4-related conditions. ClinVar contains an entry for this variant (Variation ID: 837044). Invitae Evidence Modeling of protein sequence and biophysical properties (such as structural, functional, and spatial information, amino acid conservation, physicochemical variation, residue mobility, and thermodynamic stability) indicates that this missense variant is not expected to disrupt CABP4 protein function with a negative predictive value of 80%. In summary, the available evidence is currently insufficient to determine the role of this variant in disease. Therefore, it has been classified as a Variant of Uncertain Significance.

Blueprint Genetics
Classification: Uncertain significance. Last evaluated: 2024-10-16. Review status: criteria provided, single submitter. Criteria: ACMG Guidelines, 2015. Collection method: clinical testing. Allele origin: germline.

Institute of Human Genetics, Univ. Regensburg, Univ. Regensburg
Classification: Uncertain significance for Retinal dystrophy. Last evaluated: 2022-01-01. Review status: no assertion criteria provided. Criteria: ACMG Guidelines, 2015. Collection method: clinical testing. Allele origin: germline. Affected: yes. Not counted in ClinVar's aggregate classification.